The following is an entry in ClinVar:

ClinVar aggregate classification (germline): Uncertain significance (1 of 4 stars; one submission).

Conditions:
Familial thoracic aortic aneurysm and aortic dissection (TAAD). Also called: Thoracic aortic aneurysms and dissections. Identifiers: Orphanet 91387, MedGen C4707243, MONDO:0019625.

Submission:

Labcorp Genetics (formerly Invitae), Labcorp
Classification: Uncertain significance for Familial thoracic aortic aneurysm and aortic dissection. Last evaluated: 2023-12-06. Review status: criteria provided, single submitter. Criteria: Invitae Variant Classification Sherloc (09022015). Collection method: clinical testing. Allele origin: germline.
Comment: This sequence change replaces lysine, which is basic and polar, with isoleucine, which is neutral and non-polar, at codon 213 of the TGFBR1 protein (p.Lys213Ile). This variant is not present in population databases (gnomAD no frequency). This variant has not been reported in the literature in individuals affected with TGFBR1-related conditions. Advanced modeling of protein sequence and biophysical properties (such as structural, functional, and spatial information, amino acid conservation, physicochemical variation, residue mobility, and thermodynamic stability) performed at Invitae indicates that this missense variant is expected to disrupt TGFBR1 protein function with a positive predictive value of 80%. In summary, the available evidence is currently insufficient to determine the role of this variant in disease. Therefore, it has been classified as a Variant of Uncertain Significance.

NM_004612.4(TGFBR1):c.638A>T (p.Lys213Ile)

Gene: TGFBR1 (transforming growth factor beta receptor 1; plus strand). Cytogenetic location: 9q22.33.
Variant type: single nucleotide variant.
Coding change: c.638A>T on transcript NM_004612.4 (MANE Select); coding-DNA position 638, A replaced by T.
Protein change: p.Lys213Ile; replaces lysine 213 with isoleucine.
Molecular consequence: missense variant. On other transcripts: non-coding transcript variant (4), intron variant (2).
Genome position (GRCh38, 1-based): chr9:99,137,922, A>T. VCF-style: chr9-99137922-A-T. GRCh37 (hg19) VCF-style: chr9-101900204-A-T.
Other names: c.431A>T, p.Lys144Ile (NM_001407428.1, NM_001407429.1, NM_001407430.1 and 8 more transcripts); c.392A>T, p.Lys131Ile (NM_001407436.1); c.161A>T, p.Lys54Ile (NM_001407438.1); c.575-4614A>T (NM_001407435.1); c.98-4614A>T (NM_001407437.1); c.407A>T, p.Lys136Ile (NM_001130916.3); c.650A>T, p.Lys217Ile (NM_001306210.2, NM_001407416.1); c.638A>T, p.Lys213Ile (NM_001407417.1); and 1 more; short protein forms K136I, K144I, K213I, K148I, K54I, K131I, K217I.
Identifiers: ClinVar variation 2701197 (VCV002701197.3), dbSNP rs2118711375, ClinGen allele CA374229525.
Genomic context (GRCh38, chr9:99,137,922, plus strand): 5'-TACCATTGCTTGTTCAGAGAACAATTGCGAGAACTATTGTGTTACAAGAAAGCATTGGCA[A>T]AGGTCGATTTGGAGAAGTTTGGAGAGGAAAGTGGCGGGGAGAAGAAGTTGCTGTTAAGAT-3'
Protein context (NP_004603.1, residues 203-223): RTIVLQESIG[Lys213Ile]GRFGEVWRGK